The following is an entry in ClinVar:

ClinVar aggregate classification (germline): Conflicting classifications of pathogenicity. Review status: criteria provided, conflicting classifications (1 of 4 stars). 4 submissions from 4 submitters: Uncertain significance (3); Likely benign (1). Last evaluated 2025-08-10.

Conditions:
Cardiovascular phenotype. Identifiers: MedGen CN230736.
Primary familial dilated cardiomyopathy (FDC). Also called: Familial dilated cardiomyopathy; Hypokinetic dilated cardiomyopathy, familial. Identifiers: Orphanet 217607, MedGen C0340427, MONDO:0016333.
Dilated cardiomyopathy 1DD (CMD1DD). Identifiers: Orphanet 154, MedGen C2750995, MONDO:0013168, OMIM 613172.

Allele frequency attached by ClinVar (database versions not stated): gnomAD 0.00001; TOPMed 0.00002.
gnomAD v4.1: 25 of 1,551,584 alleles (0.0016%); highest among the groups gnomAD compares: Non-Finnish European, 0.002%; no homozygotes.

Submissions (4):

Ambry Genetics
Classification: Uncertain significance for Cardiovascular phenotype. Last evaluated: 2025-08-10. Review status: criteria provided, single submitter. Criteria: Ambry Variant Classification Scheme 2023. Collection method: clinical testing. Allele origin: germline.

Labcorp Genetics (formerly Invitae), Labcorp
Classification: Likely benign for Dilated cardiomyopathy 1DD. Last evaluated: 2024-09-19. Review status: criteria provided, single submitter. Criteria: Invitae Variant Classification Sherloc (09022015). Collection method: clinical testing. Allele origin: germline.

Laboratory for Molecular Medicine, Mass General Brigham Personalized Medicine
Classification: Uncertain significance. Last evaluated: 2013-02-11. Review status: criteria provided, single submitter. Criteria: LMM Criteria. Collection method: clinical testing. Allele origin: germline. Observed: 1 variant allele.
Comment: The Ser658Cys variant in RBM20 has not been reported in the literature. The frequency of this variant in large European American and African American populations cannot be determined from the NHLBI Exome Sequencing Project because coverage at this position was insufficient or unavailable. Serine (Ser) at position 658 is not conserved in mammals, thoug h additional computational analyses (biochemical amino acid properties, AlignGVG D, and SIFT) do not provide strong support for or against an impact to the prote in. Finally, this variant lies within exon 9, which encodes a conserved protein domain where other pathogenic variants have been reported (Brauch 2009, Li 2010) . In summary, additional studies are needed to fully assess the clinical signifi cance of the Ser658Cys variant.

Molecular Diagnostic Laboratory for Inherited Cardiovascular Disease, Montreal Heart Institute
Classification: Uncertain significance for Familial dilated cardiomyopathy. Review status: criteria provided, single submitter. Criteria: ACMG Guidelines, 2015. Collection method: clinical testing. Allele origin: germline. Affected: yes.

NM_001134363.3(RBM20):c.1973C>G (p.Ser658Cys)

Gene: RBM20 (RNA binding motif protein 20; plus strand). Cytogenetic location: 10q25.2.
Variant type: single nucleotide variant.
Coding change: c.1973C>G on transcript NM_001134363.3 (MANE Select); coding-DNA position 1973, C replaced by G.
Protein change: p.Ser658Cys; replaces serine 658 with cysteine.
Molecular consequence: missense variant.
Genome position (GRCh38, 1-based): chr10:110,812,370, C>G. VCF-style: chr10-110812370-C-G. GRCh37 (hg19) VCF-style: chr10-112572128-C-G.
Other names: short protein forms S658C.
Identifiers: ClinVar variation 43982 (VCV000043982.20), dbSNP rs397516598, ClinGen allele CA133292.